The following is an entry in ClinVar:

ClinVar aggregate classification (germline): Pathogenic (1 of 4 stars; one submission).

Conditions:
Abetalipoproteinaemia (ABL). Also called: MTP DEFICIENCY; Abetalipoproteinemia; Abetalipoproteinemia neuropathy; Apolipoprotein B deficiency; Congenital betalipoprotein deficiency syndrome. Identifiers: Orphanet 14, MedGen C0000744, MONDO:0008692, OMIM 200100, HP:0008181.

Submission:

Myriad Genetics, Inc.
Classification: Pathogenic for Abetalipoproteinaemia. Last evaluated: 2024-05-14. Review status: criteria provided, single submitter. Criteria: Myriad Autosomal Dominant, Autosomal Recessive and X-Linked Classification Criteria (2023). Collection method: clinical testing. Allele origin: unknown.
Comment: NM_000253.2(MTTP):c.1389delA(A464Qfs*14) is expected to be pathogenic in the context of abetalipoproteinemia. This variant is predicted to lead to an abnormal or absent protein product due to the creation of a premature termination codon in MTTP, a gene where loss-of-function variants are known to be pathogenic. Please note: this variant was assessed in the context of healthy population screening.

NM_001386140.1(MTTP):c.1389del (p.Ala464fs)

Gene: MTTP (microsomal triglyceride transfer protein; plus strand). Cytogenetic location: 4q23.
Variant type: Deletion.
Coding change: c.1389del on transcript NM_001386140.1 (MANE Select); coding-DNA position 1389, one base deleted (A; older notation c.1389delA).
Protein change: p.Ala464fs; shifts the reading frame from alanine 464.
Molecular consequence: frameshift variant.
Genome position (GRCh38, 1-based): chr4:99,606,792, A deleted; the last of 5 consecutive A bases (chr4:99,606,788-99,606,792); deleting any one gives the same sequence. VCF-style (leftmost placement, unchanged base first): chr4-99606787-GA-G. GRCh37 (hg19) VCF-style: chr4-100527944-GA-G.
Other names: c.1389del, p.Ala464fs (NM_000253.4); c.1140del, p.Ala381fs (NM_001300785.2); short protein forms A381fs, A464fs.
Identifiers: ClinVar variation 5010621 (VCV005010621.1).